The following is an entry in ClinVar:

NM_017780.4(CHD7):c.5666-189G>T

Gene: CHD7 (chromodomain helicase DNA binding protein 7; plus strand). Cytogenetic location: 8q12.2.
Variant type: single nucleotide variant.
Coding change: c.5666-189G>T on transcript NM_017780.4 (MANE Select); 189 bases into the intron before coding-DNA position 5666, G replaced by T.
Molecular consequence: intron variant.
Genome position (GRCh38, 1-based): chr8:60,851,830, G>T. VCF-style: chr8-60851830-G-T. GRCh37 (hg19) VCF-style: chr8-61764389-G-T.
Other names: c.1717-10399G>T (NM_001316690.1).
Identifiers: ClinVar variation 676812 (VCV000676812.2), dbSNP rs3763591, ClinGen allele CA15549371.

ClinVar aggregate classification (germline): Benign. Review status: criteria provided, multiple submitters, no conflicts (2 of 4 stars). 2 submissions from 2 submitters: Benign (2). Last evaluated 2018-06-19.

Allele frequency attached by ClinVar (database versions not stated): TOPMed 0.62086; gnomAD 0.62204 and 0.62610; 1000 Genomes Project 0.69808; 1000 Genomes Project 30x 0.69894.
gnomAD v4.1: 94,943 of 151,988 alleles (62%); highest among the groups gnomAD compares: East Asian, 76%; 30,300 homozygotes.

Submissions (2):

GeneDx
Classification: Benign. Last evaluated: 2018-06-19. Review status: criteria provided, single submitter. Criteria: GeneDx Variant Classification (06012015). Collection method: clinical testing. Allele origin: germline. Affected: yes.
Comment: This variant is considered likely benign or benign based on one or more of the following criteria: it is a conservative change, it occurs at a poorly conserved position in the protein, it is predicted to be benign by multiple in silico algorithms, and/or has population frequency not consistent with disease.

Breakthrough Genomics
Classification: Benign. Review status: criteria provided, single submitter. Criteria: ACMG Guidelines, 2015. Collection method: not provided. Allele origin: germline. Inheritance: Autosomal dominant inheritance. Affected: yes.